The following is an entry in ClinVar:

ClinVar aggregate classification (germline): Uncertain significance. Review status: criteria provided, multiple submitters, no conflicts (2 of 4 stars). 3 submissions from 3 submitters: Uncertain significance (3). Last evaluated 2026-05-28.

Conditions:
Microcephaly, normal intelligence and immunodeficiency (NBS). Also called: Immunodeficiency, microcephaly with normal intelligence; Ataxia telangiectasia variant V1; Nijmegen breakage syndrome; IMMUNODEFICIENCY, MICROCEPHALY, AND CHROMOSOMAL INSTABILITY; SEEMANOVA SYNDROME II; Microcephaly with normal intelligence immunodeficiency and lymphoreticular malignancies. Identifiers: Orphanet 647, MedGen C0398791, MONDO:0009623, OMIM 251260.
Hereditary cancer-predisposing syndrome. Also called: Neoplastic Syndromes, Hereditary; Tumor predisposition; Hereditary Cancer Syndrome; Hereditary neoplastic syndrome. Identifiers: Orphanet 140162, MedGen C0027672, MeSH D009386, MONDO:0015356.

Allele frequency attached by ClinVar (database versions not stated): gnomAD exomes below 0.00001.
gnomAD v4.1: 1 of 1,614,012 alleles (0.000062%); highest among the groups gnomAD compares: Non-Finnish European, 0.000085%; no homozygotes.

Submissions (3):

Myriad Genetics, Inc.
Classification: Uncertain significance for Microcephaly, normal intelligence and immunodeficiency. Last evaluated: 2026-05-28. Review status: criteria provided, single submitter. Criteria: Myriad Autosomal Dominant, Autosomal Recessive and X-Linked Classification Criteria (2023). Collection method: clinical testing. Allele origin: unknown.
Comment: NM_002485.4(NBN):c.1120A>G(T374A) is a missense variant classified as a variant of uncertain significance in the context of Nijmegen breakage syndrome. T374A has not been observed in cases with relevant disease. Relevant functional assessments of this variant are not available in the literature. T374A has not been observed in referenced population frequency databases. In summary, there is insufficient evidence to classify NM_002485.4(NBN):c.1120A>G(T374A) as pathogenic or benign. Please note: this variant was assessed in the context of healthy population screening.

Labcorp Genetics (formerly Invitae), Labcorp
Classification: Uncertain significance for Microcephaly, normal intelligence and immunodeficiency. Last evaluated: 2025-07-21. Review status: criteria provided, single submitter. Criteria: Invitae Variant Classification Sherloc (09022015). Collection method: clinical testing. Allele origin: germline.
Comment: This sequence change replaces threonine, which is neutral and polar, with alanine, which is neutral and non-polar, at codon 374 of the NBN protein (p.Thr374Ala). This variant is not present in population databases (gnomAD no frequency). This variant has not been reported in the literature in individuals affected with NBN-related conditions. ClinVar contains an entry for this variant (Variation ID: 574152). An algorithm developed to predict the effect of missense changes on protein structure and function (PolyPhen-2) suggests that this variant is likely to be disruptive. In summary, the available evidence is currently insufficient to determine the role of this variant in disease. Therefore, it has been classified as a Variant of Uncertain Significance.

Ambry Genetics
Classification: Uncertain significance for Hereditary cancer-predisposing syndrome. Last evaluated: 2023-12-14. Review status: criteria provided, single submitter. Criteria: Ambry Variant Classification Scheme 2023. Collection method: clinical testing. Allele origin: germline.
Comment: The p.T374A variant (also known as c.1120A>G), located in coding exon 9 of the NBN gene, results from an A to G substitution at nucleotide position 1120. The threonine at codon 374 is replaced by alanine, an amino acid with similar properties. This amino acid position is conserved. In addition, this alteration is predicted to be tolerated by in silico analysis. Since supporting evidence is limited at this time, the clinical significance of this alteration remains unclear.

NM_002485.5(NBN):c.1120A>G (p.Thr374Ala)

Gene: NBN (nibrin; minus strand). Cytogenetic location: 8q21.3.
Variant type: single nucleotide variant.
Coding change: c.1120A>G on transcript NM_002485.5 (MANE Select); coding-DNA position 1120, A replaced by G.
Protein change: p.Thr374Ala; replaces threonine 374 with alanine.
Molecular consequence: missense variant.
Genome position (GRCh38, 1-based): chr8:89,958,729, T>C on the plus strand (A>G on the coding strand, the complement: NBN is on the minus strand). VCF-style: chr8-89958729-T-C. GRCh37 (hg19) VCF-style: chr8-90970957-T-C.
Other names: c.874A>G, p.Thr292Ala (NM_001024688.3); short protein forms T374A, T292A.
Identifiers: ClinVar variation 574152 (VCV000574152.13), dbSNP rs1563538477, ClinGen allele CA371656565.